The following is an entry in ClinVar:

ClinVar aggregate classification (germline): Uncertain significance (1 of 4 stars; one submission).

Conditions:
Familial temporal lobe epilepsy 7. Identifiers: Orphanet 101046, MedGen C4225327, MONDO:0014639, OMIM 616436.
Norman-Roberts syndrome (LIS2). Also called: Lissencephaly 2 (Norman-Roberts type). Identifiers: Orphanet 89844, MedGen C0796089, MONDO:0009760, OMIM 257320.

Allele frequency attached by ClinVar (database versions not stated): gnomAD exomes below 0.00001 and 0.00001; gnomAD 0.00001; TOPMed 0.00002.
gnomAD v4.1: 8 of 1,612,756 alleles (0.0005%); highest among the groups gnomAD compares: Admixed American, 0.0017%; no homozygotes.

Submission:

Labcorp Genetics (formerly Invitae), Labcorp
Classification: Uncertain significance for Familial temporal lobe epilepsy 7; Norman-Roberts syndrome. Last evaluated: 2022-07-26. Review status: criteria provided, single submitter. Criteria: Invitae Variant Classification Sherloc (09022015). Collection method: clinical testing. Allele origin: germline.
Comment: This sequence change creates a premature translational stop signal (p.Arg3458*) in the RELN gene. While this is not anticipated to result in nonsense mediated decay, it is expected to disrupt the last 3 amino acid(s) of the RELN protein. This variant is present in population databases (no rsID available, gnomAD 0.003%). This variant has not been reported in the literature in individuals affected with RELN-related conditions. ClinVar contains an entry for this variant (Variation ID: 843393). Experimental studies and prediction algorithms are not available or were not evaluated, and the functional significance of this variant is currently unknown. Algorithms developed to predict the effect of sequence changes on RNA splicing suggest that this variant may create or strengthen a splice site. In summary, the available evidence is currently insufficient to determine the role of this variant in disease. Therefore, it has been classified as a Variant of Uncertain Significance.

NM_005045.4(RELN):c.10372C>T (p.Arg3458Ter)

Genes: SLC26A5-AS1 (SLC26A5 antisense RNA 1; plus strand), RELN (reelin; minus strand). Cytogenetic location: 7q22.1.
Variant type: single nucleotide variant.
Coding change: c.10372C>T on transcript NM_005045.4 (MANE Select); coding-DNA position 10372, C replaced by T.
Protein change: p.Arg3458Ter; replaces arginine 3458 with a stop codon.
Molecular consequence: nonsense.
Genome position (GRCh38, 1-based): chr7:103,472,823, G>A on the plus strand (C>T on the coding strand, the complement: RELN is on the minus strand). VCF-style: chr7-103472823-G-A. GRCh37 (hg19) VCF-style: chr7-103113270-G-A.
Other names: c.10366C>T, p.Arg3456Ter (NM_173054.3); short protein forms R3456*, R3458*.
Identifiers: ClinVar variation 843393 (VCV000843393.9), dbSNP rs866898263, ClinGen allele CA163904158.